The following is an entry in ClinVar:

ClinVar aggregate classification (germline): Likely pathogenic (1 of 4 stars; one submission).

Conditions:
Zellweger spectrum disorders (ZS). Also called: Zellweger Spectrum Disorder (ZSD); Zellweger syndrome; Zellweger Spectrum Disorder; Zellweger Spectrum. Identifiers: Orphanet 912, MedGen C0043459, MONDO:0019609.

Submission:

Natera, Inc.
Classification: Likely pathogenic for Zellweger syndrome. Last evaluated: 2025-08-12. Review status: criteria provided, single submitter. Criteria: Natera Variant Classification Schema (03/2026). Collection method: clinical testing. Allele origin: germline.
Comment: The c.526del variant in PEX10 is a frameshift variant predicted to shift the reading frame beginning at codon 176 and leads to a stop codon 28 codons downstream. This variant is expected to result in nonsense mediated decay, truncation, or a dysfunctional protein product. This variant is rare in the general population with a frequency below the threshold expected for the associated phenotype(s). Given the available evidence, this variant is classified as Likely Pathogenic.

NM_002617.4(PEX10):c.526del (p.Arg176fs)

Gene: PEX10 (peroxisomal biogenesis factor 10; minus strand). Cytogenetic location: 1p36.32.
Variant type: Deletion.
Coding change: c.526del on transcript NM_002617.4 (MANE Select); coding-DNA position 526, one base deleted (C; older notation c.526delC).
Protein change: p.Arg176fs; shifts the reading frame from arginine 176.
Molecular consequence: frameshift variant. On other transcripts: non-coding transcript variant (1).
Genome position (GRCh38, 1-based): chr1:2,408,526, G deleted on the plus strand (C on the coding strand, the reverse complement: PEX10 is on the minus strand). VCF-style (leftmost placement, unchanged base first): chr1-2408525-CG-C. GRCh37 (hg19) VCF-style: chr1-2339964-CG-C.
Other names: c.526del, p.Arg176fs (NM_001374425.1, NM_153818.2); c.94del, p.Arg32fs (NM_001374426.1, NM_001374427.1); short protein forms R176fs, R32fs.
Identifiers: ClinVar variation 4816948 (VCV004816948.1).